The following is an entry in ClinVar:

NM_000053.4(ATP7B):c.2638C>T (p.His880Tyr)

Gene: ATP7B (ATPase copper transporting beta; minus strand). Cytogenetic location: 13q14.3.
Variant type: single nucleotide variant.
Coding change: c.2638C>T on transcript NM_000053.4 (MANE Select); coding-DNA position 2638, C replaced by T.
Protein change: p.His880Tyr; replaces histidine 880 with tyrosine.
Molecular consequence: missense variant.
Genome position (GRCh38, 1-based): chr13:51,950,099, G>A on the plus strand (C>T on the coding strand, the complement: ATP7B is on the minus strand). VCF-style: chr13-51950099-G-A. GRCh37 (hg19) VCF-style: chr13-52524235-G-A.
Other names: c.2494C>T, p.His832Tyr (NM_001406521.1, NM_001406522.1, NM_001406520.1 and 1 more transcripts); c.2638C>T, p.His880Tyr (NM_001406523.1, NM_001406525.1, NM_001406526.1 and 7 more transcripts); c.2461C>T, p.His821Tyr (NM_001406524.1); c.2404C>T, p.His802Tyr (NM_001406527.1, NM_001406528.1, NM_001330578.2 and 2 more transcripts); c.2398C>T, p.His800Tyr (NM_001406530.1); c.2386C>T, p.His796Tyr (NM_001406531.1, NM_001330579.2, NM_001406532.1 and 1 more transcripts); c.2152C>T, p.His718Tyr (NM_001005918.3, NM_001406541.1, NM_001406542.1 and 1 more transcripts); c.2305C>T, p.His769Tyr (NM_001243182.2); and 8 more; short protein forms H450Y, H664Y, H686Y, H718Y, H737Y, H764Y, H769Y, H770Y.
Identifiers: ClinVar variation 3387622 (VCV003387622.1).
Genomic context (GRCh38, chr13:51,950,099, plus strand): 5'-CAATCTGAGCCAAAGTGGTGTCATTGCCCACGTGGGTAGCTTTAATGAGCACAGAGCCAT[G>A]TGCATTTATAGACCCCGCAATTACAGTGCTTCCGGGTTTCTTAGTGACTGGCATGGCTTC-3'
Protein context (NP_000044.2, residues 870-890): STVIAGSINA[His880Tyr]GSVLIKATHV

ClinVar aggregate classification (germline): Uncertain significance (1 of 4 stars; one submission).

Conditions:
Wilson disease (WND). Also called: Wilson's disease. Identifiers: Orphanet 905, MedGen C0019202, MONDO:0010200, OMIM 277900. Disease mechanism: loss of function.

Submission:

All of Us Research Program, National Institutes of Health
Classification: Uncertain significance for Wilson disease. Last evaluated: 2024-09-11. Review status: criteria provided, single submitter. Criteria: ACMG Guidelines, 2015. Collection method: clinical testing. Allele origin: germline. Inheritance: Autosomal recessive inheritance. Observed: 1 variant allele, 1 heterozygote.
Comment: This study involves interpretation of variants in research participants for the purpose of population health screening. Participant phenotype was not available at the time of variant classification. Additional details can be found in publication PMID: 35346344, PMCID: PMC8962531